The following is an entry in ClinVar:

ClinVar aggregate classification (germline): Pathogenic (1 of 4 stars; one submission).

Conditions:
Episodic kinesigenic dyskinesia (EKD). Also called: Paroxysmal kinesigenic dyskinesia. Identifiers: Orphanet 98809, MedGen C1868682, MONDO:0044202.

Submission:

Labcorp Genetics (formerly Invitae), Labcorp
Classification: Pathogenic for Paroxysmal kinesigenic dyskinesia. Last evaluated: 2020-01-03. Review status: criteria provided, single submitter. Criteria: Invitae Variant Classification Sherloc (09022015). Collection method: clinical testing. Allele origin: germline.
Comment: A gross deletion of the genomic region encompassing the full coding sequence of the PRRT2 gene has been identified. The boundaries of this event are unknown as the deletion extends beyond the assayed region for this gene and therefore may encompass additional genes. Loss-of-function variants in PRRT2 are known to be pathogenic. This particular deletion has been reported in the literature in individuals affected with paroxysmal kinesigenic dyskinesia, infantile convulsions with paroxysmal choreoathetosis syndrome, and/or epilepsy (PMID: 22515636, 23363396, 24811917). For these reasons, this variant has been classified as Pathogenic.

Literature cited by the submitters: PubMed 22515636; PubMed 23363396; PubMed 24811917.

NC_000016.10:g.(?_29813035)_(29814658_?)del

Genes: MVP-DT (MVP divergent transcript; minus strand), PRRT2 (proline rich transmembrane protein 2; plus strand). Cytogenetic location: 16p11.2.
Variant type: Deletion.
Identifiers: ClinVar variation 468611 (VCV000468611.3).